The following is an entry in ClinVar:

ClinVar aggregate classification (germline): Uncertain significance (1 of 4 stars; one submission).

gnomAD v4.1: 3 of 1,613,944 alleles (0.00019%); highest among the groups gnomAD compares: Non-Finnish European, 0.00017%; no homozygotes.

Submission:

Labcorp Genetics (formerly Invitae), Labcorp
Classification: Uncertain significance. Last evaluated: 2024-04-08. Review status: criteria provided, single submitter. Criteria: Invitae Variant Classification Sherloc (09022015). Collection method: clinical testing. Allele origin: germline.
Comment: This sequence change replaces histidine, which is basic and polar, with asparagine, which is neutral and polar, at codon 1371 of the GPR179 protein (p.His1371Asn). This variant is not present in population databases (gnomAD no frequency). This variant has not been reported in the literature in individuals affected with GPR179-related conditions. An algorithm developed to predict the effect of missense changes on protein structure and function (PolyPhen-2) suggests that this variant is likely to be tolerated. In summary, the available evidence is currently insufficient to determine the role of this variant in disease. Therefore, it has been classified as a Variant of Uncertain Significance.

NM_001004334.4(GPR179):c.4111C>A (p.His1371Asn)

Gene: GPR179 (G protein-coupled receptor 179; minus strand). Cytogenetic location: 17q12.
Variant type: single nucleotide variant.
Coding change: c.4111C>A on transcript NM_001004334.4 (MANE Select); coding-DNA position 4111, C replaced by A.
Protein change: p.His1371Asn; replaces histidine 1371 with asparagine.
Molecular consequence: missense variant.
Genome position (GRCh38, 1-based): chr17:38,329,458, G>T on the plus strand (C>A on the coding strand, the complement: GPR179 is on the minus strand). VCF-style: chr17-38329458-G-T. GRCh37 (hg19) VCF-style: chr17-36485341-G-T.
Other names: short protein forms H1371N.
Identifiers: ClinVar variation 3676979 (VCV003676979.2).
Genomic context (GRCh38, chr17:38,329,458, plus strand): 5'-CCTCGCCTCCTTCACTTGCCTCCCAGGGACACGGCTCTGCCTTGGTGATGTCAGGGGTAT[G>T]AGCTTCTGGGCCAGCAGCTTCCCACCCAGGCTTCTCCACCTTCCTGGCCTCCACACTGTC-3'
Protein context (NP_001004334.3, residues 1361-1381): PGWEAAGPEA[His1371Asn]TPDITKAEPC